The following is an entry in ClinVar:

NM_013276.4(SHPK):c.586G>A (p.Asp196Asn)

Gene: SHPK (sedoheptulokinase; minus strand). Cytogenetic location: 17p13.2.
Variant type: single nucleotide variant.
Coding change: c.586G>A on transcript NM_013276.4 (MANE Select); coding-DNA position 586, G replaced by A.
Protein change: p.Asp196Asn; replaces aspartic acid 196 with asparagine.
Molecular consequence: missense variant.
Genome position (GRCh38, 1-based): chr17:3,623,400, C>T on the plus strand (G>A on the coding strand, the complement: SHPK is on the minus strand). VCF-style: chr17-3623400-C-T. GRCh37 (hg19) VCF-style: chr17-3526694-C-T.
Other names: short protein forms D196N.
Identifiers: ClinVar variation 4164868 (VCV004164868.2).

ClinVar aggregate classification (germline): Uncertain significance. Review status: criteria provided, multiple submitters, no conflicts (2 of 4 stars). 2 submissions from 2 submitters: Uncertain significance (2). Last evaluated 2025-10-06.

gnomAD v4.1: 18 of 1,614,036 alleles (0.0011%); highest among the groups gnomAD compares: East Asian, 0.011%; no homozygotes.

Submissions (2):

Labcorp Genetics (formerly Invitae), Labcorp
Classification: Uncertain significance. Last evaluated: 2025-10-06. Review status: criteria provided, single submitter. Criteria: Invitae Variant Classification Sherloc (09022015). Collection method: clinical testing. Allele origin: germline.
Comment: This sequence change replaces aspartic acid, which is acidic and polar, with asparagine, which is neutral and polar, at codon 196 of the SHPK protein (p.Asp196Asn). This variant is present in population databases (rs773608468, gnomAD 0.02%). This variant has not been reported in the literature in individuals affected with SHPK-related conditions. An algorithm developed to predict the effect of missense changes on protein structure and function (PolyPhen-2) suggests that this variant is likely to be disruptive. In summary, the available evidence is currently insufficient to determine the role of this variant in disease. Therefore, it has been classified as a Variant of Uncertain Significance.

Ambry Genetics
Classification: Uncertain significance. Last evaluated: 2025-07-01. Review status: criteria provided, single submitter. Criteria: Ambry Variant Classification Scheme 2023. Collection method: clinical testing. Allele origin: germline.